The following is an entry in ClinVar:

ClinVar aggregate classification (germline): Uncertain significance. Review status: criteria provided, multiple submitters, no conflicts (2 of 4 stars). 2 submissions from 2 submitters: Uncertain significance (2). Last evaluated 2023-11-27.

Submissions (2):

Labcorp Genetics (formerly Invitae), Labcorp
Classification: Uncertain significance. Last evaluated: 2023-11-27. Review status: criteria provided, single submitter. Criteria: Invitae Variant Classification Sherloc (09022015). Collection method: clinical testing. Allele origin: germline.
Comment: This sequence change replaces threonine, which is neutral and polar, with alanine, which is neutral and non-polar, at codon 4232 of the LRP2 protein (p.Thr4232Ala). This variant is not present in population databases (gnomAD no frequency). This variant has not been reported in the literature in individuals affected with LRP2-related conditions. Advanced modeling of protein sequence and biophysical properties (such as structural, functional, and spatial information, amino acid conservation, physicochemical variation, residue mobility, and thermodynamic stability) performed at Invitae indicates that this missense variant is not expected to disrupt LRP2 protein function with a negative predictive value of 80%. In summary, the available evidence is currently insufficient to determine the role of this variant in disease. Therefore, it has been classified as a Variant of Uncertain Significance.

Blueprint Genetics
Classification: Uncertain significance. Last evaluated: 2019-12-17. Review status: criteria provided, single submitter. Criteria: ACMG Guidelines, 2015. Collection method: clinical testing. Allele origin: germline.

NM_004525.3(LRP2):c.12694A>G (p.Thr4232Ala)

Gene: LRP2 (LDL receptor related protein 2; minus strand). Cytogenetic location: 2q31.1.
Variant type: single nucleotide variant.
Coding change: c.12694A>G on transcript NM_004525.3 (MANE Select); coding-DNA position 12694, A replaced by G.
Protein change: p.Thr4232Ala; replaces threonine 4232 with alanine.
Molecular consequence: missense variant.
Genome position (GRCh38, 1-based): chr2:169,146,856, T>C on the plus strand (A>G on the coding strand, the complement: LRP2 is on the minus strand). VCF-style: chr2-169146856-T-C. GRCh37 (hg19) VCF-style: chr2-170003366-T-C.
Other names: short protein forms T4232A.
Identifiers: ClinVar variation 2987537 (VCV002987537.4), dbSNP rs2545663546, ClinGen allele CA349129981.